The following is an entry in ClinVar:

NM_006206.6(PDGFRA):c.3228_3229delinsTA (p.Gly1077Ser)

Gene: PDGFRA (platelet derived growth factor receptor alpha; plus strand). Cytogenetic location: 4q12.
Variant type: Indel.
Coding change: c.3228_3229delinsTA on transcript NM_006206.6 (MANE Select); coding-DNA positions 3228 to 3229, CG replaced by TA.
Protein change: p.Gly1077Ser; replaces glycine 1077 with serine.
Molecular consequence: missense variant.
Genome position (GRCh38, 1-based): chr4:54,295,230-54,295,231, CG replaced by TA. VCF-style: chr4-54295230-CG-TA. GRCh37 (hg19) VCF-style: chr4-55161397-CG-TA.
Other names: c.3303_3304delinsTA, p.Gly1102Ser (NM_001347828.2); c.3228_3229delinsTA, p.Gly1077Ser (NM_001347829.2); c.3267_3268delinsTA, p.Gly1090Ser (NM_001347830.2); short protein forms G1090S, G1077S, G1102S.
Identifiers: ClinVar variation 2005985 (VCV002005985.4), dbSNP rs2475579225, ClinGen allele CA2580071122.

ClinVar aggregate classification (germline): Uncertain significance (1 of 4 stars; one submission).

Conditions:
Gastrointestinal stromal tumor. Also called: Gastrointestinal stroma tumor; Gastrointestinal stromal tumor, somatic. Identifiers: Orphanet 44890, MedGen C0238198, MeSH D046152, MONDO:0011719, OMIM 606764, HP:0100723.

Submission:

Labcorp Genetics (formerly Invitae), Labcorp
Classification: Uncertain significance for Gastrointestinal stromal tumor. Last evaluated: 2022-06-13. Review status: criteria provided, single submitter. Criteria: Invitae Variant Classification Sherloc (09022015). Collection method: clinical testing. Allele origin: germline.
Comment: This sequence change replaces glycine, which is neutral and non-polar, with serine, which is neutral and polar, at codon 1077 of the PDGFRA protein (p.Gly1077Ser). Information on the frequency of this variant in the gnomAD database is not available, as this variant may be reported differently in the database. In summary, the available evidence is currently insufficient to determine the role of this variant in disease. Therefore, it has been classified as a Variant of Uncertain Significance. Experimental studies and prediction algorithms are not available or were not evaluated, and the functional significance of this variant is currently unknown. This variant has not been reported in the literature in individuals affected with PDGFRA-related conditions.